The following is an entry in ClinVar:

ClinVar aggregate classification (germline): Uncertain significance (1 of 4 stars; one submission).

Conditions:
Primary ciliary dyskinesia. Also called: Ciliary dyskinesia. Identifiers: Orphanet 244, MedGen C0008780, MONDO:0016575, HP:0012265.

Allele frequency attached by ClinVar (database versions not stated): gnomAD 0.00001; gnomAD exomes 0.00001 and 0.00004; ExAC 0.00007; 1000 Genomes Project 30x 0.00016; 1000 Genomes Project 0.00020.
gnomAD v4.1: 20 of 1,613,056 alleles (0.0012%); highest among the groups gnomAD compares: Middle Eastern, 0.016%; no homozygotes.

Submission:

Labcorp Genetics (formerly Invitae), Labcorp
Classification: Uncertain significance for Primary ciliary dyskinesia. Last evaluated: 2022-08-31. Review status: criteria provided, single submitter. Criteria: Invitae Variant Classification Sherloc (09022015). Collection method: clinical testing. Allele origin: germline.
Comment: In summary, the available evidence is currently insufficient to determine the role of this variant in disease. Therefore, it has been classified as a Variant of Uncertain Significance. Algorithms developed to predict the effect of missense changes on protein structure and function output the following: SIFT: "Deleterious"; PolyPhen-2: "Possibly Damaging"; Align-GVGD: "Class C0". The histidine amino acid residue is found in multiple mammalian species, which suggests that this missense change does not adversely affect protein function. ClinVar contains an entry for this variant (Variation ID: 583279). This variant has not been reported in the literature in individuals affected with CCDC114-related conditions. This variant is present in population databases (rs559302212, gnomAD 0.01%). This sequence change replaces arginine, which is basic and polar, with histidine, which is basic and polar, at codon 554 of the CCDC114 protein (p.Arg554His).

NM_001364171.2(ODAD1):c.1772G>A (p.Arg591His)

Gene: ODAD1 (outer dynein arm docking complex subunit 1; minus strand). Cytogenetic location: 19q13.33.
Variant type: single nucleotide variant.
Coding change: c.1772G>A on transcript NM_001364171.2 (MANE Select); coding-DNA position 1772, G replaced by A.
Protein change: p.Arg591His; replaces arginine 591 with histidine.
Molecular consequence: missense variant.
Genome position (GRCh38, 1-based): chr19:48,297,328, C>T on the plus strand (G>A on the coding strand, the complement: ODAD1 is on the minus strand). VCF-style: chr19-48297328-C-T. GRCh37 (hg19) VCF-style: chr19-48800585-C-T.
Other names: c.1661G>A, p.Arg554His (NM_144577.4); short protein forms R591H, R554H.
Identifiers: ClinVar variation 583279 (VCV000583279.16), dbSNP rs559302212, ClinGen allele CA9548568.